The following is an entry in ClinVar:

NM_206933.4(USH2A):c.15380C>T (p.Pro5127Leu)

Gene: USH2A (usherin; minus strand). Cytogenetic location: 1q41.
Variant type: single nucleotide variant.
Coding change: c.15380C>T on transcript NM_206933.4 (MANE Select); coding-DNA position 15380, C replaced by T.
Protein change: p.Pro5127Leu; replaces proline 5127 with leucine.
Molecular consequence: missense variant.
Genome position (GRCh38, 1-based): chr1:215,628,953, G>A on the plus strand (C>T on the coding strand, the complement: USH2A is on the minus strand). VCF-style: chr1-215628953-G-A. GRCh37 (hg19) VCF-style: chr1-215802295-G-A.
Other names: short protein forms P5127L.
Identifiers: ClinVar variation 801608 (VCV000801608.50), dbSNP rs201513512, ClinGen allele CA1392688.

ClinVar aggregate classification (germline): Conflicting classifications of pathogenicity. Review status: criteria provided, conflicting classifications (1 of 4 stars). 8 submissions from 8 submitters: Likely pathogenic (4); Uncertain significance (3). 1 of the submissions does not count toward it. Last evaluated 2026-03-24.

Conditions:
Usher syndrome type 2A. Also called: RETINAL DISEASE IN USHER SYNDROME TYPE IIA, MODIFIER OF; USHER SYNDROME, TYPE IIA. Identifiers: Orphanet 231178, Orphanet 886, MedGen C1848634, MONDO:0010169, OMIM 276901.
Retinitis pigmentosa 39 (RP39). Identifiers: Orphanet 791, MedGen C3151138, MONDO:0013436, OMIM 613809.
USH2A-related disorder. Also called: USH2A-related condition; USH2A-related disorders. Identifiers: MedGen CN239332.

Allele frequency attached by ClinVar (database versions not stated): gnomAD exomes below 0.00001; ExAC 0.00001.
gnomAD v4.1: 15 of 1,613,960 alleles (0.00093%); highest among the groups gnomAD compares: Admixed American, 0.01%; no homozygotes.

Submissions (8):

PreventionGenetics, part of Exact Sciences
Classification: Likely pathogenic for USH2A-related condition. Last evaluated: 2026-03-24. Review status: criteria provided, single submitter. Criteria: ACMG Guidelines, 2015. Collection method: clinical testing. Allele origin: germline.
Comment: The USH2A c.15380C>T variant is predicted to result in the amino acid substitution p.Pro5127Leu. This variant has been reported along with an USH2A frameshift variant in an individual with retinitis pigmentosa (Table S3, Zhu et al. 2021. PubMed ID: 32675063). This variant was observed along with a causative USH2A variant in individuals being tested for retinal disease (PreventionGenetics internal data). This variant is present in 0.0033% of alleles in individuals of South Asian descent in gnomAD. This variant is interpreted as likely pathogenic.

Labcorp Genetics (formerly Invitae), Labcorp
Classification: Likely pathogenic. Last evaluated: 2026-01-22. Review status: criteria provided, single submitter. Criteria: Invitae Variant Classification Sherloc (09022015). Collection method: clinical testing. Allele origin: germline.
Comment: This sequence change replaces proline, which is neutral and non-polar, with leucine, which is neutral and non-polar, at codon 5127 of the USH2A protein (p.Pro5127Leu). This variant is present in population databases (rs201513512, gnomAD 0.003%). This missense change has been observed in individuals with clinical features of retinitis pigmentosa (internal data). ClinVar contains an entry for this variant (Variation ID: 801608). Invitae Evidence Modeling of protein sequence and biophysical properties (such as structural, functional, and spatial information, amino acid conservation, physicochemical variation, residue mobility, and thermodynamic stability) has been performed for this missense variant. However, the output from this modeling did not meet the statistical confidence thresholds required to predict the impact of this variant on USH2A protein function. In summary, the currently available evidence indicates that the variant is pathogenic, but additional data are needed to prove that conclusively. Therefore, this variant has been classified as Likely Pathogenic.

Fulgent Genetics
Classification: Likely pathogenic for Usher syndrome type 2A; Retinitis pigmentosa 39. Last evaluated: 2024-06-23. Review status: criteria provided, single submitter. Criteria: ACMG Guidelines, 2015. Collection method: clinical testing. Allele origin: germline.

Blueprint Genetics
Classification: Likely pathogenic for USH2A-related disorders. Last evaluated: 2022-10-11. Review status: criteria provided, single submitter. Criteria: ACMG Guidelines, 2015. Collection method: clinical testing. Allele origin: germline. Affected: yes. Observed: 5 variant alleles.

CeGaT Center for Human Genetics Tuebingen
Classification: Uncertain significance. Last evaluated: 2021-04-01. Review status: criteria provided, single submitter. Criteria: CeGaT Center For Human Genetics Tuebingen Variant Classification Criteria Version 2. Collection method: clinical testing. Allele origin: germline. Affected: yes. Observed: 1 variant allele.

Mendelics
Classification: Uncertain significance for Usher syndrome type 2A. Last evaluated: 2019-05-28. Review status: criteria provided, single submitter. Criteria: Mendelics Assertion Criteria 2017. Collection method: clinical testing. Allele origin: unknown.

Baylor Genetics
Classification: Uncertain significance for Retinitis pigmentosa 39. Last evaluated: 2019-04-09. Review status: criteria provided, single submitter. Criteria: ACMG Guidelines, 2015. Collection method: clinical testing. Allele origin: unknown. Affected: yes.
Comment: This variant was determined to be of uncertain significance according to ACMG Guidelines, 2015 [PMID:25741868].

Natera, Inc.
Classification: Uncertain significance for Usher syndrome type 2A. Last evaluated: 2020-08-04. Review status: no assertion criteria provided. Collection method: clinical testing. Allele origin: germline. Not counted in ClinVar's aggregate classification.